The following is an entry in ClinVar:

ClinVar aggregate classification (germline): Uncertain significance (1 of 4 stars; one submission).

gnomAD v4.1: 22 of 1,607,986 alleles (0.0014%); highest among the groups gnomAD compares: Non-Finnish European, 0.0019%; no homozygotes.

Submission:

Labcorp Genetics (formerly Invitae), Labcorp
Classification: Uncertain significance. Last evaluated: 2025-10-07. Review status: criteria provided, single submitter. Criteria: Invitae Variant Classification Sherloc (09022015). Collection method: clinical testing. Allele origin: germline.
Comment: This sequence change falls in intron 5 of the PLEKHM2 gene. It does not directly change the encoded amino acid sequence of the PLEKHM2 protein. This variant is present in population databases (rs766469103, gnomAD 0.003%). This variant has not been reported in the literature in individuals affected with PLEKHM2-related conditions. Algorithms developed to predict the effect of sequence changes on RNA splicing suggest that this variant may disrupt the consensus splice site. In summary, the available evidence is currently insufficient to determine the role of this variant in disease. Therefore, it has been classified as a Variant of Uncertain Significance.

NM_015164.4(PLEKHM2):c.466-6C>G

Gene: PLEKHM2 (pleckstrin homology and RUN domain containing M2; plus strand). Cytogenetic location: 1p36.21.
Variant type: single nucleotide variant.
Coding change: c.466-6C>G on transcript NM_015164.4 (MANE Select); 6 bases into the intron before coding-DNA position 466, C replaced by G.
Molecular consequence: intron variant.
Genome position (GRCh38, 1-based): chr1:15,719,728, C>G. VCF-style: chr1-15719728-C-G. GRCh37 (hg19) VCF-style: chr1-16046223-C-G.
Other names: c.466-6C>G (NM_001410755.1).
Identifiers: ClinVar variation 4812785 (VCV004812785.1).
Genomic context (GRCh38, chr1:15,719,728, plus strand): 5'-TGCTGTCTGCAGAAGGCCGCTGCACGAGGCCTCCCACCAAACGGGCCTCCTCTACTCTCT[C>G]CTCAGGATGCCCCTTACCTAGACCTGGCCCCCTACATGCCCGACTACTACAAACCTCAGT-3'